The following is an entry in ClinVar:

ClinVar aggregate classification (germline): Uncertain significance (1 of 4 stars; one submission).

Conditions:
Bardet-Biedl syndrome (BBS). Identifiers: Orphanet 110, MedGen C0752166, MONDO:0015229.

Allele frequency attached by ClinVar (database versions not stated): TOPMed below 0.00001; ExAC 0.00001.
gnomAD v4.1: 5 of 1,613,610 alleles (0.00031%); highest among the groups gnomAD compares: Admixed American, 0.0017%; no homozygotes.

Submission:

Labcorp Genetics (formerly Invitae), Labcorp
Classification: Uncertain significance for Bardet-Biedl syndrome. Last evaluated: 2022-09-01. Review status: criteria provided, single submitter. Criteria: Invitae Variant Classification Sherloc (09022015). Collection method: clinical testing. Allele origin: germline.
Comment: This sequence change replaces valine, which is neutral and non-polar, with leucine, which is neutral and non-polar, at codon 250 of the BBS7 protein (p.Val250Leu). This variant is present in population databases (rs759886973, gnomAD 0.003%). This variant has not been reported in the literature in individuals affected with BBS7-related conditions. Algorithms developed to predict the effect of missense changes on protein structure and function output the following: SIFT: "Tolerated"; PolyPhen-2: "Benign"; Align-GVGD: "Class C0". The leucine amino acid residue is found in multiple mammalian species, which suggests that this missense change does not adversely affect protein function. In summary, the available evidence is currently insufficient to determine the role of this variant in disease. Therefore, it has been classified as a Variant of Uncertain Significance.

NM_176824.3(BBS7):c.748G>C (p.Val250Leu)

Gene: BBS7 (Bardet-Biedl syndrome 7; minus strand). Cytogenetic location: 4q27.
Variant type: single nucleotide variant.
Coding change: c.748G>C on transcript NM_176824.3 (MANE Select); coding-DNA position 748, G replaced by C.
Protein change: p.Val250Leu; replaces valine 250 with leucine.
Molecular consequence: missense variant.
Genome position (GRCh38, 1-based): chr4:121,853,057, C>G on the plus strand (G>C on the coding strand, the complement: BBS7 is on the minus strand). VCF-style: chr4-121853057-C-G. GRCh37 (hg19) VCF-style: chr4-122774212-C-G.
Other names: c.748G>C, p.Val250Leu (NM_018190.4); short protein forms V250L.
Identifiers: ClinVar variation 2042161 (VCV002042161.1), dbSNP rs759886973, ClinGen allele CA3064413.